The following is an entry in ClinVar:

ClinVar aggregate classification (germline): Likely pathogenic (1 of 4 stars; one submission).

Conditions:
Fanconi anemia (FA). Also called: Fanconi's anemia. Identifiers: Orphanet 84, MedGen C0015625, MeSH D005199, MONDO:0019391.

Submission:

Natera, Inc.
Classification: Likely pathogenic for Fanconi anemia. Last evaluated: 2025-01-17. Review status: criteria provided, single submitter. Criteria: Natera Variant Classification Schema (03/2026). Collection method: clinical testing. Allele origin: germline.
Comment: The c.1633dup variant in FANCA is a frameshift variant predicted to shift the reading frame beginning at codon 545 and leads to a stop codon 8 codons downstream. This variant is expected to result in nonsense mediated decay, truncation, or a dysfunctional protein product. This variant is rare in the general population with a frequency below the threshold expected for the associated phenotype(s). Given the available evidence, this variant is classified as Likely Pathogenic.

NM_000135.4(FANCA):c.1633dup (p.Ser545fs)

Gene: FANCA (FA complementation group A; minus strand). Cytogenetic location: 16q24.3.
Variant type: Duplication.
Coding change: c.1633dup on transcript NM_000135.4 (MANE Select); coding-DNA position 1633, one base duplicated (A; older notation c.1633dupA).
Protein change: p.Ser545fs; shifts the reading frame from serine 545.
Molecular consequence: frameshift variant.
Genome position (GRCh38, 1-based): chr16:89,779,951, T duplicated on the plus strand (A on the coding strand, the reverse complement: FANCA is on the minus strand). VCF-style (leftmost placement, unchanged base first): chr16-89779950-C-CT. GRCh37 (hg19) VCF-style: chr16-89846358-C-CT.
Other names: c.1633dup, p.Ser545fs (NM_001286167.3); short protein forms S545fs.
Identifiers: ClinVar variation 4068012 (VCV004068012.2).